The following is an entry in ClinVar:

ClinVar aggregate classification (germline): Benign/Likely benign. Review status: criteria provided, multiple submitters, no conflicts (2 of 4 stars). 3 submissions from 3 submitters: Benign (1); Likely benign (1). 1 of the submissions does not count toward it. Last evaluated 2023-03-01.

Conditions:
BIRC6-related disorder. Also called: BIRC6-related condition.

Allele frequency attached by ClinVar (database versions not stated): 1000 Genomes Project 0.00080; gnomAD 0.00153 and 0.00155; ESP Exome Variant Server 0.00169; TOPMed 0.00171; 1000 Genomes Project 30x 0.00078; ExAC 0.00182; gnomAD exomes 0.00187 and 0.00251.
gnomAD v4.1: 3,875 of 1,613,924 alleles (0.24%); highest among the groups gnomAD compares: Non-Finnish European, 0.29%; 5 homozygotes.

Submissions (3):

CeGaT Center for Human Genetics Tuebingen
Classification: Likely benign. Last evaluated: 2023-03-01. Review status: criteria provided, single submitter. Criteria: CeGaT Center For Human Genetics Tuebingen Variant Classification Criteria Version 2. Collection method: clinical testing. Allele origin: germline. Affected: yes. Observed: 1 variant allele.
Comment: BIRC6: BP4, BP7

Labcorp Genetics (formerly Invitae), Labcorp
Classification: Benign. Last evaluated: 2018-06-08. Review status: criteria provided, single submitter. Criteria: Invitae Variant Classification Sherloc (09022015). Collection method: clinical testing. Allele origin: germline.

PreventionGenetics, part of Exact Sciences
Classification: Likely benign for BIRC6-related condition. Last evaluated: 2019-03-20. Review status: no assertion criteria provided. Collection method: clinical testing. Allele origin: germline. Not counted in ClinVar's aggregate classification.
Comment: This variant is classified as likely benign based on ACMG/AMP sequence variant interpretation guidelines (Richards et al. 2015 PMID: 25741868, with internal and published modifications).

NM_016252.4(BIRC6):c.1554A>G (p.Lys518=)

Gene: BIRC6 (baculoviral IAP repeat containing 6; plus strand). Cytogenetic location: 2p22.3.
Variant type: single nucleotide variant.
Coding change: c.1554A>G on transcript NM_016252.4 (MANE Select); coding-DNA position 1554, A replaced by G.
Protein change: p.Lys518=; no amino-acid change (lysine 518 retained).
Molecular consequence: synonymous variant.
Genome position (GRCh38, 1-based): chr2:32,414,845, A>G. VCF-style: chr2-32414845-A-G. GRCh37 (hg19) VCF-style: chr2-32639913-A-G.
Other names: c.1470A>G, p.Lys490= (NM_001378125.1).
Identifiers: ClinVar variation 719772 (VCV000719772.28), dbSNP rs144006143, ClinGen allele CA1602803.